The following is an entry in ClinVar:

ClinVar aggregate classification (germline): Uncertain significance (1 of 4 stars; one submission).

Conditions:
Luo-Schoch-Yamamoto syndrome. Identifiers: MedGen C5561946, MONDO:0859171, OMIM 619460.

Submission:

3billion
Classification: Uncertain significance for Luo-Schoch-Yamamoto syndrome. Last evaluated: 2025-09-11. Review status: criteria provided, single submitter. Criteria: ACMG Guidelines, 2015. Collection method: clinical testing. Allele origin: germline. Affected: yes.
Comment: The variant is not observed in the gnomAD v4.1.0 dataset. Predicted Consequence/Location: Intron variant In silico tools predict the variant to alter splicing and produce an abnormal transcript [SpliceAI: 0.33 (>=0.2, moderate evidence for spliceogenicity)]. Therefore, this variant is classified as VUS according to the recommendation of ACMG/AMP guideline.

NM_007212.4(RNF2):c.88-20_88-18del

Gene: RNF2 (ring finger protein 2; plus strand). Cytogenetic location: 1q25.3.
Variant type: Deletion.
Coding change: c.88-20_88-18del on transcript NM_007212.4 (MANE Select); 20 bases into the intron before coding-DNA position 88 through 18 bases into the intron before coding-DNA position 88, 3 bases deleted (TTA; older notation c.88-20_88-18delTTA).
Molecular consequence: intron variant.
Genome position (GRCh38, 1-based): chr1:185,091,559-185,091,561, TTA deleted. VCF-style (leftmost placement, unchanged base first): chr1-185091558-TTTA-T. GRCh37 (hg19) VCF-style: chr1-185060690-TTTA-T.
Identifiers: ClinVar variation 4853947 (VCV004853947.1).